The following is an entry in ClinVar:

ClinVar aggregate classification (germline): Conflicting classifications of pathogenicity. Review status: criteria provided, conflicting classifications (1 of 4 stars). 6 submissions from 6 submitters: Uncertain significance (4); Likely benign (2). Last evaluated 2026-09-24.

Conditions:
Charcot-Marie-Tooth disease axonal type 2CC. Also called: CHARCOT-MARIE-TOOTH NEUROPATHY, TYPE 2CC. Identifiers: MedGen C4310790, MONDO:0014836, OMIM 616924.
Inborn genetic diseases. Identifiers: MedGen C0950123, MeSH D030342.
NEFH-related disorder. Also called: NEFH-related condition.

Allele frequency attached by ClinVar (database versions not stated): gnomAD exomes 0.00005 and 0.00010; ExAC 0.00010; ESP Exome Variant Server 0.00015; TOPMed 0.00022; gnomAD 0.00023 and 0.00024; 1000 Genomes Project 30x 0.00031; 1000 Genomes Project 0.00040.
gnomAD v4.1: 111 of 1,613,902 alleles (0.0069%); highest among the groups gnomAD compares: African/African-American, 0.067%; no homozygotes.

Submissions (6):

PreventionGenetics, part of Exact Sciences
Classification: Uncertain significance for NEFH-related condition. Last evaluated: 2026-09-24. Review status: criteria provided, single submitter. Criteria: ACMG Guidelines, 2015. Collection method: clinical testing. Allele origin: germline.
Comment: The NEFH c.1036C>T variant is predicted to result in the amino acid substitution p.Arg346Cys. This variant was reported in two unrelated individuals with amyotrophic lateral sclerosis (ALS; Suppl Table 1, Grassano et al. 2022. PubMed ID: 35896380; Suppl Table 1, Hu et al. 2023. PubMed ID: 37952009). This variant is reported in 0.056% of alleles in individuals of African descent in gnomAD. Although we suspect that this variant may be benign, at this time, the clinical significance of this variant is uncertain due to the absence of conclusive functional and genetic evidence.

Labcorp Genetics (formerly Invitae), Labcorp
Classification: Likely benign. Last evaluated: 2025-12-01. Review status: criteria provided, single submitter. Criteria: Invitae Variant Classification Sherloc (09022015). Collection method: clinical testing. Allele origin: germline.

Mayo Clinic Laboratories, Mayo Clinic
Classification: Uncertain significance. Last evaluated: 2025-07-02. Review status: criteria provided, single submitter. Criteria: ACMG Guidelines, 2015. Collection method: clinical testing. Allele origin: germline. Observed: 1 variant allele.

Revvity Omics, Revvity
Classification: Uncertain significance for Charcot-Marie-Tooth disease axonal type 2CC. Last evaluated: 2021-04-16. Review status: criteria provided, single submitter. Criteria: ACMG Guidelines, 2015. Collection method: clinical testing. Allele origin: germline.

Ambry Genetics
Classification: Likely benign for Inborn genetic diseases. Last evaluated: 2020-09-01. Review status: criteria provided, single submitter. Criteria: Ambry Variant Classification Scheme 2023. Collection method: clinical testing. Allele origin: germline.

CeGaT Center for Human Genetics Tuebingen
Classification: Uncertain significance. Last evaluated: 2017-06-01. Review status: criteria provided, single submitter. Criteria: CeGaT Center For Human Genetics Tuebingen Variant Classification Criteria Version 2. Collection method: clinical testing. Allele origin: germline. Affected: yes. Observed: 1 variant allele.

Literature cited by the submitters: PubMed 35896380 (cited by Mayo Clinic Laboratories, Mayo Clinic); PubMed 37952009 (cited by Mayo Clinic Laboratories, Mayo Clinic).

NM_021076.4(NEFH):c.1036C>T (p.Arg346Cys)

Gene: NEFH (neurofilament heavy chain; plus strand). Cytogenetic location: 22q12.2.
Variant type: single nucleotide variant.
Coding change: c.1036C>T on transcript NM_021076.4 (MANE Select); coding-DNA position 1036, C replaced by T.
Protein change: p.Arg346Cys; replaces arginine 346 with cysteine.
Molecular consequence: missense variant.
Genome position (GRCh38, 1-based): chr22:29,483,527, C>T. VCF-style: chr22-29483527-C-T. GRCh37 (hg19) VCF-style: chr22-29879516-C-T.
Other names: p.Arg346Cys; short protein forms R346C.
Identifiers: ClinVar variation 809344 (VCV000809344.56), dbSNP rs139219355, ClinGen allele CA10174092.